The following is an entry in ClinVar:

ClinVar aggregate classification (germline): Uncertain significance (1 of 4 stars; one submission).

Conditions:
Inborn genetic diseases. Identifiers: MedGen C0950123, MeSH D030342.

Submission:

Ambry Genetics
Classification: Uncertain significance for Inborn genetic diseases. Last evaluated: 2025-10-24. Review status: criteria provided, single submitter. Criteria: Ambry Variant Classification Scheme 2023. Collection method: clinical testing. Allele origin: germline.
Comment: The c.304T>A (p.S102T) alteration is located in exon 1 (coding exon 1) of the TWIST1 gene. This alteration results from a T to A substitution at nucleotide position 304, causing the serine (S) at amino acid position 102 to be replaced by a threonine (T). Based on data from gnomAD, the A allele has an overall frequency of <0.001% (0/173146) total alleles studied. The highest observed frequency was <0.001% (/) of alleles. Based on insufficient or conflicting evidence, the clinical significance of this alteration remains unclear.

NM_000474.4(TWIST1):c.304T>A (p.Ser102Thr)

Gene: TWIST1 (twist family bHLH transcription factor 1; minus strand). Cytogenetic location: 7p21.1.
Variant type: single nucleotide variant.
Coding change: c.304T>A on transcript NM_000474.4 (MANE Select); coding-DNA position 304, T replaced by A.
Protein change: p.Ser102Thr; replaces serine 102 with threonine.
Molecular consequence: missense variant. On other transcripts: non-coding transcript variant (1).
Genome position (GRCh38, 1-based): chr7:19,117,018, A>T on the plus strand (T>A on the coding strand, the complement: TWIST1 is on the minus strand). VCF-style: chr7-19117018-A-T. GRCh37 (hg19) VCF-style: chr7-19156641-A-T.
Other names: short protein forms S102T.
Identifiers: ClinVar variation 4633985 (VCV004633985.1).